The following is an entry in ClinVar:

NM_000160.5(GCGR):c.817+6T>C

Gene: GCGR (glucagon receptor; plus strand). Cytogenetic location: 17q25.3.
Variant type: single nucleotide variant.
Coding change: c.817+6T>C on transcript NM_000160.5 (MANE Select); 6 bases into the intron after coding-DNA position 817, T replaced by C.
Molecular consequence: intron variant.
Genome position (GRCh38, 1-based): chr17:81,811,816, T>C. VCF-style: chr17-81811816-T-C. GRCh37 (hg19) VCF-style: chr17-79769692-T-C.
Identifiers: ClinVar variation 2827890 (VCV002827890.3), dbSNP rs2038106772, ClinGen allele CA627768751.

ClinVar aggregate classification (germline): Uncertain significance (1 of 4 stars; one submission).

Allele frequency attached by ClinVar (database versions not stated): gnomAD 0.00001.
gnomAD v4.1: 1 of 1,536,232 alleles (0.000065%); highest among the groups gnomAD compares: Non-Finnish European, 0.000087%; no homozygotes.

Submission:

Labcorp Genetics (formerly Invitae), Labcorp
Classification: Uncertain significance. Last evaluated: 2024-12-02. Review status: criteria provided, single submitter. Criteria: Invitae Variant Classification Sherloc (09022015). Collection method: clinical testing. Allele origin: germline.
Comment: This sequence change falls in intron 8 of the GCGR gene. It does not directly change the encoded amino acid sequence of the GCGR protein. It affects a nucleotide within the consensus splice site. The frequency data for this variant in the population databases is considered unreliable, as metrics indicate poor data quality at this position in the gnomAD database. This variant has not been reported in the literature in individuals affected with GCGR-related conditions. ClinVar contains an entry for this variant (Variation ID: 2827890). Variants that disrupt the consensus splice site are a relatively common cause of aberrant splicing (PMID: 17576681, 9536098). Algorithms developed to predict the effect of sequence changes on RNA splicing suggest that this variant is not likely to affect RNA splicing. In summary, the available evidence is currently insufficient to determine the role of this variant in disease. Therefore, it has been classified as a Variant of Uncertain Significance.

Literature cited by the submitters: PubMed 17576681; PubMed 9536098.